The following is an entry in ClinVar:

ClinVar aggregate classification (germline): Uncertain significance (1 of 4 stars; one submission).

Conditions:
Hypertrophic cardiomyopathy 19. Also called: Familial hypertrophic cardiomyopathy 19. Identifiers: MedGen CN077603, MONDO:0013476.

Allele frequency attached by ClinVar (database versions not stated): gnomAD exomes below 0.00001; gnomAD 0.00001; TOPMed 0.00002.
gnomAD v4.1: 2 of 1,613,718 alleles (0.00012%); highest among the groups gnomAD compares: Admixed American, 0.0033%; no homozygotes.

Submission:

Labcorp Genetics (formerly Invitae), Labcorp
Classification: Uncertain significance for Hypertrophic cardiomyopathy 19. Last evaluated: 2018-06-21. Review status: criteria provided, single submitter. Criteria: Invitae Variant Classification Sherloc (09022015). Collection method: clinical testing. Allele origin: germline.
Comment: In summary, the available evidence is currently insufficient to determine the role of this variant in disease. Therefore, it has been classified as a Variant of Uncertain Significance. Algorithms developed to predict the effect of missense changes on protein structure and function are either unavailable or do not agree on the potential impact of this missense change (SIFT: "Deleterious"; PolyPhen-2: "Probably Damaging"; Align-GVGD: "Class C0"). This variant has not been reported in the literature in individuals with CALR3-related disease. This variant is not present in population databases (ExAC no frequency). This sequence change replaces leucine with proline at codon 174 of the CALR3 protein (p.Leu174Pro). The leucine residue is highly conserved and there is a moderate physicochemical difference between leucine and proline.

NM_145046.5(CALR3):c.521T>C (p.Leu174Pro)

Gene: CALR3 (calreticulin 3; minus strand). Cytogenetic location: 19p13.11.
Variant type: single nucleotide variant.
Coding change: c.521T>C on transcript NM_145046.5 (MANE Select); coding-DNA position 521, T replaced by C.
Protein change: p.Leu174Pro; replaces leucine 174 with proline.
Molecular consequence: missense variant.
Genome position (GRCh38, 1-based): chr19:16,484,087, A>G on the plus strand (T>C on the coding strand, the complement: CALR3 is on the minus strand). VCF-style: chr19-16484087-A-G. GRCh37 (hg19) VCF-style: chr19-16594898-A-G.
Other names: short protein forms L174P.
Identifiers: ClinVar variation 573277 (VCV000573277.9), dbSNP rs1248561462, ClinGen allele CA404610182.